The following is an entry in ClinVar:

ClinVar aggregate classification (germline): Conflicting classifications of pathogenicity. Review status: criteria provided, conflicting classifications (1 of 4 stars). 5 submissions from 5 submitters: Uncertain significance (1); Likely benign (3). 1 of the submissions does not count toward it. Last evaluated 2026-01-28.

Conditions:
TRAPPC12-related disorder. Also called: TRAPPC12-related condition.
Inborn genetic diseases. Identifiers: MedGen C0950123, MeSH D030342.

Allele frequency attached by ClinVar (database versions not stated): 1000 Genomes Project 0.00040; 1000 Genomes Project 30x 0.00062; gnomAD 0.00125 and 0.00135; gnomAD exomes 0.00126 and 0.00180; TOPMed 0.00138; ExAC 0.00141; ESP Exome Variant Server 0.00161.
gnomAD v4.1: 2,804 of 1,614,134 alleles (0.17%); highest among the groups gnomAD compares: Non-Finnish European, 0.22%; 5 homozygotes.

Submissions (5):

Labcorp Genetics (formerly Invitae), Labcorp
Classification: Likely benign. Last evaluated: 2026-01-28. Review status: criteria provided, single submitter. Criteria: Invitae Variant Classification Sherloc (09022015). Collection method: clinical testing. Allele origin: germline.

CeGaT Center for Human Genetics Tuebingen
Classification: Likely benign. Last evaluated: 2022-07-01. Review status: criteria provided, single submitter. Criteria: CeGaT Center For Human Genetics Tuebingen Variant Classification Criteria Version 2. Collection method: clinical testing. Allele origin: germline. Affected: yes. Observed: 1 variant allele.
Comment: TRAPPC12: BP4

Ambry Genetics
Classification: Uncertain significance for Inborn genetic diseases. Last evaluated: 2021-10-18. Review status: criteria provided, single submitter. Criteria: Ambry Variant Classification Scheme 2023. Collection method: clinical testing. Allele origin: germline.

Breakthrough Genomics
Classification: Likely benign. Review status: criteria provided, single submitter. Criteria: ACMG Guidelines, 2015. Collection method: not provided. Allele origin: germline. Inheritance: Autosomal recessive inheritance. Affected: yes.

PreventionGenetics, part of Exact Sciences
Classification: Likely benign for TRAPPC12-related condition. Last evaluated: 2024-03-11. Review status: no assertion criteria provided. Collection method: clinical testing. Allele origin: germline. Not counted in ClinVar's aggregate classification.
Comment: This variant is classified as likely benign based on ACMG/AMP sequence variant interpretation guidelines (Richards et al. 2015 PMID: 25741868, with internal and published modifications).

NM_016030.6(TRAPPC12):c.1709C>T (p.Ser570Leu)

Gene: TRAPPC12 (trafficking protein particle complex subunit 12; plus strand). Cytogenetic location: 2p25.3.
Variant type: single nucleotide variant.
Coding change: c.1709C>T on transcript NM_016030.6 (MANE Select); coding-DNA position 1709, C replaced by T.
Protein change: p.Ser570Leu; replaces serine 570 with leucine.
Molecular consequence: missense variant.
Genome position (GRCh38, 1-based): chr2:3,465,628, C>T. VCF-style: chr2-3465628-C-T. GRCh37 (hg19) VCF-style: chr2-3469399-C-T.
Other names: c.1709C>T (NM_016030.5); c.1709C>T, p.Ser570Leu (NM_001321102.2); short protein forms S570L.
Identifiers: ClinVar variation 710194 (VCV000710194.35), dbSNP rs114907951, ClinGen allele CA1515603.